The following is an entry in ClinVar:

ClinVar aggregate classification (germline): Uncertain significance (1 of 4 stars; one submission).

Allele frequency attached by ClinVar (database versions not stated): gnomAD 0.00004.
gnomAD v4.1: 11 of 1,613,770 alleles (0.00068%); highest among the groups gnomAD compares: African/African-American, 0.015%; no homozygotes.

Submission:

Labcorp Genetics (formerly Invitae), Labcorp
Classification: Uncertain significance. Last evaluated: 2022-04-01. Review status: criteria provided, single submitter. Criteria: Invitae Variant Classification Sherloc (09022015). Collection method: clinical testing. Allele origin: germline.
Comment: In summary, the available evidence is currently insufficient to determine the role of this variant in disease. Therefore, it has been classified as a Variant of Uncertain Significance. Algorithms developed to predict the effect of missense changes on protein structure and function (SIFT, PolyPhen-2, Align-GVGD) all suggest that this variant is likely to be tolerated. This variant has not been reported in the literature in individuals affected with MAPKBP1-related conditions. This variant is present in population databases (rs765918347, gnomAD 0.02%). This sequence change replaces arginine, which is basic and polar, with threonine, which is neutral and polar, at codon 1125 of the MAPKBP1 protein (p.Arg1125Thr).

NM_014994.3(MAPKBP1):c.3356G>C (p.Arg1119Thr)

Gene: MAPKBP1 (mitogen-activated protein kinase binding protein 1; plus strand). Cytogenetic location: 15q15.1.
Variant type: single nucleotide variant.
Coding change: c.3356G>C on transcript NM_014994.3 (MANE Select); coding-DNA position 3356, G replaced by C.
Protein change: p.Arg1119Thr; replaces arginine 1119 with threonine.
Molecular consequence: missense variant. On other transcripts: non-coding transcript variant (2).
Genome position (GRCh38, 1-based): chr15:41,822,980, G>C. VCF-style: chr15-41822980-G-C. GRCh37 (hg19) VCF-style: chr15-42115178-G-C.
Other names: c.3374G>C, p.Arg1125Thr (NM_001128608.2); c.3356G>C, p.Arg1119Thr (NM_001265611.2); short protein forms R1125T, R1119T.
Identifiers: ClinVar variation 1500113 (VCV001500113.6), dbSNP rs765918347, ClinGen allele CA7498569.